The following is an entry in ClinVar:

NM_000603.5(NOS3):c.2479G>A (p.Val827Met)

Gene: NOS3 (nitric oxide synthase 3; plus strand). Cytogenetic location: 7q36.1.
Variant type: single nucleotide variant.
Coding change: c.2479G>A on transcript NM_000603.5 (MANE Select); coding-DNA position 2479, G replaced by A.
Protein change: p.Val827Met; replaces valine 827 with methionine.
Molecular consequence: missense variant.
Genome position (GRCh38, 1-based): chr7:151,009,552, G>A. VCF-style: chr7-151009552-G-A. GRCh37 (hg19) VCF-style: chr7-150706640-G-A.
Other names: short protein forms V827M.
Identifiers: ClinVar variation 2658167 (VCV002658167.24), dbSNP rs3918232, ClinGen allele CA4567382.
Genomic context (GRCh38, chr7:151,009,552, plus strand): 5'-CCCGGCCTTGTGGAGGCGCTGCTGAGCCGCGTGGAGGACCCGCCGGCGCCCACTGAGCCC[G>A]TGGCAGTAGAGCAGCTGGAGAAGGGCAGCCCTGGTGAGGGGCAGCCTGGGAAGCAACAGG-3'
Protein context (NP_000594.2, residues 817-837): VEDPPAPTEP[Val827Met]AVEQLEKGSP

ClinVar aggregate classification (germline): Likely benign (1 of 4 stars; one submission).

Allele frequency attached by ClinVar (database versions not stated): 1000 Genomes Project 0.00120; 1000 Genomes Project 30x 0.00156; ESP Exome Variant Server 0.00217; gnomAD 0.00319; ExAC 0.00492.

Submission:

CeGaT Center for Human Genetics Tuebingen
Classification: Likely benign. Last evaluated: 2026-08-01. Review status: criteria provided, single submitter. Criteria: CeGaT Center For Human Genetics Tuebingen Variant Classification Criteria Version 2. Collection method: clinical testing. Allele origin: germline. Affected: yes. Observed: 6 variant alleles.
Comment: NOS3: BS2